The following is an entry in ClinVar:

NM_005188.4(CBL):c.354T>A (p.Phe118Leu)

Gene: CBL (Cbl proto-oncogene; plus strand). Cytogenetic location: 11q23.3.
Variant type: single nucleotide variant.
Coding change: c.354T>A on transcript NM_005188.4 (MANE Select); coding-DNA position 354, T replaced by A.
Protein change: p.Phe118Leu; replaces phenylalanine 118 with leucine.
Molecular consequence: missense variant.
Genome position (GRCh38, 1-based): chr11:119,232,606, T>A. VCF-style: chr11-119232606-T-A. GRCh37 (hg19) VCF-style: chr11-119103316-T-A.
Other names: short protein forms F118L.
Identifiers: ClinVar variation 4800598 (VCV004800598.1).

ClinVar aggregate classification (germline): Uncertain significance (1 of 4 stars; one submission).

Conditions:
RASopathy. Also called: rasopathies; Noonan spectrum disorder. Identifiers: Orphanet 536391, MedGen C5555857, MONDO:0021060.

Submission:

Labcorp Genetics (formerly Invitae), Labcorp
Classification: Uncertain significance for RASopathy. Last evaluated: 2025-07-08. Review status: criteria provided, single submitter. Criteria: Invitae Variant Classification Sherloc (09022015). Collection method: clinical testing. Allele origin: germline.
Comment: This sequence change replaces phenylalanine, which is neutral and non-polar, with leucine, which is neutral and non-polar, at codon 118 of the CBL protein (p.Phe118Leu). This variant is not present in population databases (gnomAD no frequency). This variant has not been reported in the literature in individuals affected with CBL-related conditions. Invitae Evidence Modeling of protein sequence and biophysical properties (such as structural, functional, and spatial information, amino acid conservation, physicochemical variation, residue mobility, and thermodynamic stability) has been performed for this missense variant. However, the output from this modeling did not meet the statistical confidence thresholds required to predict the impact of this variant on CBL protein function. In summary, the available evidence is currently insufficient to determine the role of this variant in disease. Therefore, it has been classified as a Variant of Uncertain Significance.